The following is an entry in ClinVar:

ClinVar aggregate classification (germline): Uncertain significance. Review status: criteria provided, multiple submitters, no conflicts (2 of 4 stars). 2 submissions from 2 submitters: Uncertain significance (2). Last evaluated 2025-10-29.

Conditions:
Neuronopathy, distal hereditary motor, type 7B. Also called: NEURONOPATHY, DISTAL HEREDITARY MOTOR, AUTOSOMAL DOMINANT 14; NEURONOPATHY, DISTAL HEREDITARY MOTOR, HARDING TYPE VIIB; NEUROPATHY, DISTAL HEREDITARY MOTOR, HARDING TYPE VIIB; NEUROPATHY, DISTAL HEREDITARY MOTOR, WITH VOCAL CORD PARALYSIS, HARDING TYPE VIIB; HMN VIIB; LOWER MOTOR NEURON DISEASE, DYNACTIN TYPE. Identifiers: Orphanet 139589, MedGen C1843315, MONDO:0011879, OMIM 607641.
Perry syndrome. Also called: PARKINSONISM WITH ALVEOLAR HYPOVENTILATION AND MENTAL DEPRESSION. Identifiers: Orphanet 178509, MedGen C1868594, MONDO:0008201, OMIM 168605.
Amyotrophic lateral sclerosis type 1 (ALS1). Also called: AMYOTROPHIC LATERAL SCLEROSIS 1, FAMILIAL. Identifiers: Orphanet 803, MedGen C1862939, MONDO:0007103, OMIM 105400.

Allele frequency attached by ClinVar (database versions not stated): gnomAD 0.00002; gnomAD exomes 0.00002; TOPMed 0.00003; ExAC 0.00004; ESP Exome Variant Server 0.00008.
gnomAD v4.1: 43 of 1,614,108 alleles (0.0027%); highest among the groups gnomAD compares: African/African-American, 0.0067%; no homozygotes.

Submissions (2):

Labcorp Genetics (formerly Invitae), Labcorp
Classification: Uncertain significance for Amyotrophic lateral sclerosis type 1; Neuronopathy, distal hereditary motor, type 7B; Perry syndrome. Last evaluated: 2025-10-29. Review status: criteria provided, single submitter. Criteria: Invitae Variant Classification Sherloc (09022015). Collection method: clinical testing. Allele origin: germline.
Comment: This sequence change replaces arginine, which is basic and polar, with histidine, which is basic and polar, at codon 768 of the DCTN1 protein (p.Arg768His). This variant is present in population databases (rs368869853, gnomAD 0.007%). This variant has not been reported in the literature in individuals affected with DCTN1-related conditions. ClinVar contains an entry for this variant (Variation ID: 856546). Invitae Evidence Modeling of protein sequence and biophysical properties (such as structural, functional, and spatial information, amino acid conservation, physicochemical variation, residue mobility, and thermodynamic stability) indicates that this missense variant is not expected to disrupt DCTN1 protein function with a negative predictive value of 95%. In summary, the available evidence is currently insufficient to determine the role of this variant in disease. Therefore, it has been classified as a Variant of Uncertain Significance.

CeGaT Center for Human Genetics Tuebingen
Classification: Uncertain significance. Last evaluated: 2025-09-01. Review status: criteria provided, single submitter. Criteria: CeGaT Center For Human Genetics Tuebingen Variant Classification Criteria Version 2. Collection method: clinical testing. Allele origin: germline. Affected: yes. Observed: 1 variant allele.
Comment: DCTN1: PM2, BP4

NM_004082.5(DCTN1):c.2303G>A (p.Arg768His)

Gene: DCTN1 (dynactin subunit 1; minus strand). Cytogenetic location: 2p13.1.
Variant type: single nucleotide variant.
Coding change: c.2303G>A on transcript NM_004082.5 (MANE Select); coding-DNA position 2303, G replaced by A.
Protein change: p.Arg768His; replaces arginine 768 with histidine.
Molecular consequence: missense variant. On other transcripts: non-coding transcript variant (1).
Genome position (GRCh38, 1-based): chr2:74,367,058, C>T on the plus strand (G>A on the coding strand, the complement: DCTN1 is on the minus strand). VCF-style: chr2-74367058-C-T. GRCh37 (hg19) VCF-style: chr2-74594185-C-T.
Other names: c.2243G>A, p.Arg748His (NM_001135040.3); c.1901G>A, p.Arg634His (NM_001135041.3, NM_023019.4); c.2192G>A, p.Arg731His (NM_001190836.2); c.2282G>A, p.Arg761His (NM_001190837.2); c.2252G>A, p.Arg751His (NM_001378991.1); c.2234G>A, p.Arg745His (NM_001378992.1); short protein forms R634H, R748H, R731H, R761H, R768H, R745H, R751H.
Identifiers: ClinVar variation 856546 (VCV000856546.15), dbSNP rs368869853, ClinGen allele CA1721883.